The following is an entry in ClinVar:

NM_000503.6(EYA1):c.1088A>G (p.Glu363Gly)

Gene: EYA1 (EYA transcriptional coactivator and phosphatase 1; minus strand). Cytogenetic location: 8q13.3.
Variant type: single nucleotide variant.
Coding change: c.1088A>G on transcript NM_000503.6 (MANE Select); coding-DNA position 1088, A replaced by G.
Protein change: p.Glu363Gly; replaces glutamic acid 363 with glycine.
Molecular consequence: missense variant. On other transcripts: intron variant (2).
Genome position (GRCh38, 1-based): chr8:71,244,655, T>C on the plus strand (A>G on the coding strand, the complement: EYA1 is on the minus strand). VCF-style: chr8-71244655-T-C. GRCh37 (hg19) VCF-style: chr8-72156890-T-C.
Other names: c.1070A>G, p.Glu357Gly (NM_001288574.2); c.722A>G, p.Glu241Gly (NM_001288575.2); c.1175A>G, p.Glu392Gly (NM_001370333.1); c.1088A>G, p.Glu363Gly (NM_001370334.1, NM_001370335.1, NM_172058.4); c.989A>G, p.Glu330Gly (NM_001411797.1, NM_172060.4); c.1119+25085A>G (NM_001370336.1); c.1122+25085A>G (NM_172059.5); short protein forms E241G, E330G, E357G, E363G, E392G.
Identifiers: ClinVar variation 4278744 (VCV004278744.1).
Genomic context (GRCh38, chr8:71,244,655, plus strand): 5'-GAACTTACTTCTAAGTCATTAAAAAATAAATGTGTGTCTGCCAAGTTGAAAATCATTTCT[T>C]CCATTCGCAGTCCAAGGGAAACTGAAGTGGGTGGATCCTAAAATAAGAATATGACAGGTG-3'
Protein context (NP_000494.2, residues 353-373): PTSVSLGLRM[Glu363Gly]EMIFNLADTH

ClinVar aggregate classification (germline): Uncertain significance (1 of 4 stars; one submission).

Submission:

GeneDx
Classification: Uncertain significance. Last evaluated: 2025-03-31. Review status: criteria provided, single submitter. Criteria: GeneDx Variant Classification Process June 2021. Collection method: clinical testing. Allele origin: germline. Affected: yes.
Comment: Not observed at significant frequency in large population cohorts (gnomAD); In silico analysis supports that this missense variant has a deleterious effect on protein structure/function; Has not been previously published as pathogenic or benign to our knowledge